The following is an entry in ClinVar:

NM_024685.4(BBS10):c.258_261del (p.Phe86fs)

Gene: BBS10 (Bardet-Biedl syndrome 10; minus strand). Cytogenetic location: 12q21.2.
Variant type: Deletion.
Coding change: c.258_261del on transcript NM_024685.4 (MANE Select); coding-DNA positions 258 to 261, 4 bases deleted (TATT; older notation c.258_261delTATT).
Protein change: p.Phe86fs; shifts the reading frame from phenylalanine 86.
Molecular consequence: frameshift variant.
Genome position (GRCh38, 1-based): chr12:76,347,724-76,347,727, AATA deleted on the plus strand (TATT on the coding strand, the reverse complement: BBS10 is on the minus strand); deleting any 4 consecutive bases within chr12:76,347,724-76,347,730 gives the same sequence; the c. name uses the placement nearest the transcript's 3' end. VCF-style (leftmost placement, unchanged base first): chr12-76347723-TAATA-T. GRCh37 (hg19) VCF-style: chr12-76741503-TAATA-T.
Other names: c.258_261delTATT (NM_024685.3); short protein forms F86fs.
Identifiers: ClinVar variation 3240868 (VCV003240868.2), dbSNP rs1951773909.
Genomic context (GRCh38, chr12:76,347,723, plus strand): 5'-AAGGATCCTTTTCTCTGTCTGTGATTGCATGAAGTCCTCTAAGCAAATGGCAAAGAAAGA[TAATA>T]AATGTTTTTGCACCATCTCCTGTTTTTTTGAGATGACTGGAAACACAGTCCACTATCATC-3'

ClinVar aggregate classification (germline): Likely pathogenic. Review status: criteria provided, multiple submitters, no conflicts (2 of 4 stars). 2 submissions from 2 submitters: Likely pathogenic (2). Last evaluated 2026-07-20.

Conditions:
BBS10-related disorder. Also called: BBS10-related condition.
Bardet-Biedl syndrome 10 (BBS10). Identifiers: Orphanet 110, MedGen C1859568, MONDO:0014438, OMIM 615987.

Submissions (2):

PreventionGenetics, part of Exact Sciences
Classification: Likely pathogenic for BBS10-related condition. Last evaluated: 2026-07-20. Review status: criteria provided, single submitter. Criteria: ACMG Guidelines, 2015. Collection method: clinical testing. Allele origin: germline.
Comment: The BBS10 c.258_261delTATT variant is predicted to result in a frameshift and premature protein termination (p.Phe86Leufs*22). To our knowledge, this variant has not been reported in the literature. This variant is absent in a large population database (gnomAD), indicating this variant is rare. Frameshift variants in BBS10 are an established mechanism of disease. This variant is interpreted as likely pathogenic.

Baylor Genetics
Classification: Likely pathogenic for Bardet-Biedl syndrome 10. Last evaluated: 2023-12-14. Review status: criteria provided, single submitter. Criteria: ACMG Guidelines, 2015. Collection method: clinical testing. Allele origin: unknown.